The following is an entry in ClinVar:

ClinVar aggregate classification (germline): Likely benign. Review status: criteria provided, multiple submitters, no conflicts (2 of 4 stars). 4 submissions from 4 submitters: Likely benign (3). 1 of the submissions does not count toward it. Last evaluated 2025-08-27.

Conditions:
TBC1D20-related disorder. Also called: TBC1D20-related condition.

Allele frequency attached by ClinVar (database versions not stated): ESP Exome Variant Server 0.00008; gnomAD 0.00009; TOPMed 0.00009.
gnomAD v4.1: 43 of 1,613,328 alleles (0.0027%); highest among the groups gnomAD compares: African/African-American, 0.037%; no homozygotes.

Submissions (4):

Labcorp Genetics (formerly Invitae), Labcorp
Classification: Likely benign. Last evaluated: 2025-08-27. Review status: criteria provided, single submitter. Criteria: Invitae Variant Classification Sherloc (09022015). Collection method: clinical testing. Allele origin: germline.

Blueprint Genetics
Classification: Likely benign. Last evaluated: 2024-10-16. Review status: criteria provided, single submitter. Criteria: ACMG Guidelines, 2015. Collection method: clinical testing. Allele origin: germline.

CeGaT Center for Human Genetics Tuebingen
Classification: Likely benign. Last evaluated: 2023-01-01. Review status: criteria provided, single submitter. Criteria: CeGaT Center For Human Genetics Tuebingen Variant Classification Criteria Version 2. Collection method: clinical testing. Allele origin: germline. Affected: yes. Observed: 1 variant allele.
Comment: TBC1D20: BP4, BP7

PreventionGenetics, part of Exact Sciences
Classification: Likely benign for TBC1D20-related condition. Last evaluated: 2019-10-28. Review status: no assertion criteria provided. Collection method: clinical testing. Allele origin: germline. Not counted in ClinVar's aggregate classification.
Comment: This variant is classified as likely benign based on ACMG/AMP sequence variant interpretation guidelines (Richards et al. 2015 PMID: 25741868, with internal and published modifications).

NM_144628.4(TBC1D20):c.933C>T (p.Ala311=)

Gene: TBC1D20 (TBC1 domain family member 20; minus strand). Cytogenetic location: 20p13.
Variant type: single nucleotide variant.
Coding change: c.933C>T on transcript NM_144628.4 (MANE Select); coding-DNA position 933, C replaced by T.
Protein change: p.Ala311=; no amino-acid change (alanine 311 retained).
Molecular consequence: synonymous variant. On other transcripts: non-coding transcript variant (1).
Genome position (GRCh38, 1-based): chr20:439,131, G>A on the plus strand (C>T on the coding strand, the complement: TBC1D20 is on the minus strand). VCF-style: chr20-439131-G-A. GRCh37 (hg19) VCF-style: chr20-419775-G-A.
Identifiers: ClinVar variation 731955 (VCV000731955.32), dbSNP rs34115918, ClinGen allele CA9723506.
Genomic context (GRCh38, chr20:439,131, plus strand): 5'-GCCACCCCCATTCAACCAGTGTCCCAGCCTTGCTCACCTCTCAGCTTGCTGTTGGGCAGC[G>A]GCCTCCCGAGCAAGTTCGGATGGGGGAAACTGAACAAAAAGGTCTCCTGCTCTGCTGATC-3'
Protein context (NP_653229.1, residues 301-321): QFPPSELARE[Ala311=]AAQQQAERTA